The following is an entry in ClinVar:

ClinVar aggregate classification (germline): Likely benign (1 of 4 stars; one submission).

Conditions:
SCRIB-related disorder. Also called: SCRIB-related condition.

Submission:

PreventionGenetics, part of Exact Sciences
Classification: Likely benign for SCRIB-related condition. Last evaluated: 2026-01-14. Review status: criteria provided, single submitter. Criteria: ACMG Guidelines, 2015. Collection method: clinical testing. Allele origin: germline.
Comment: This variant is classified as likely benign based on ACMG/AMP sequence variant interpretation guidelines (Richards et al. 2015 PMID: 25741868, with internal and published modifications).

NM_182706.5(SCRIB):c.4328+10C>T

Gene: SCRIB (scribble planar cell polarity protein; minus strand). Cytogenetic location: 8q24.3.
Variant type: single nucleotide variant.
Coding change: c.4328+10C>T on transcript NM_182706.5 (MANE Select); 10 bases into the intron after coding-DNA position 4328, C replaced by T.
Molecular consequence: intron variant.
Genome position (GRCh38, 1-based): chr8:143,792,475, G>A on the plus strand (C>T on the coding strand, the complement: SCRIB is on the minus strand). VCF-style: chr8-143792475-G-A. GRCh37 (hg19) VCF-style: chr8-144874645-G-A.
Other names: c.4328+10C>T (NM_015356.5).
Identifiers: ClinVar variation 4980428 (VCV004980428.1).